The following is an entry in ClinVar:

NM_005045.4(RELN):c.1166A>G (p.Asn389Ser)

Gene: RELN (reelin; minus strand). Cytogenetic location: 7q22.1.
Variant type: single nucleotide variant.
Coding change: c.1166A>G on transcript NM_005045.4 (MANE Select); coding-DNA position 1166, A replaced by G.
Protein change: p.Asn389Ser; replaces asparagine 389 with serine.
Molecular consequence: missense variant.
Genome position (GRCh38, 1-based): chr7:103,682,239, T>C on the plus strand (A>G on the coding strand, the complement: RELN is on the minus strand). VCF-style: chr7-103682239-T-C. GRCh37 (hg19) VCF-style: chr7-103322686-T-C.
Other names: c.1166A>G (NM_005045.3); c.1166A>G, p.Asn389Ser (NM_173054.3); short protein forms N389S.
Identifiers: ClinVar variation 1520626 (VCV001520626.7), dbSNP rs2115696295, ClinGen allele CA368926639.
Genomic context (GRCh38, chr7:103,682,239, plus strand): 5'-ACATCCCTGGTGGTGGCAAAATTGAACTCGCTGCCTTCATTTCCATGGAAATAAATGGAG[T>C]TCCCATCTGACTGACAGCTATGCTGTAGGTGAAAAGAGAGCACGGGGTGGCTGTTGAATT-3'
Protein context (NP_005036.2, residues 379-399): TVKHSCQSDG[Asn389Ser]SIYFHGNEGS

ClinVar aggregate classification (germline): Uncertain significance. Review status: criteria provided, multiple submitters, no conflicts (2 of 4 stars). 2 submissions from 2 submitters: Uncertain significance (2). Last evaluated 2025-06-07.

Conditions:
Familial temporal lobe epilepsy 7. Identifiers: Orphanet 101046, MedGen C4225327, MONDO:0014639, OMIM 616436.
Norman-Roberts syndrome (LIS2). Also called: Lissencephaly 2 (Norman-Roberts type). Identifiers: Orphanet 89844, MedGen C0796089, MONDO:0009760, OMIM 257320.
Inborn genetic diseases. Identifiers: MedGen C0950123, MeSH D030342.

Allele frequency attached by ClinVar (database versions not stated): gnomAD exomes 0.00001.
gnomAD v4.1: 13 of 1,613,936 alleles (0.00081%); highest among the groups gnomAD compares: African/African-American, 0.011%; no homozygotes.

Submissions (2):

Ambry Genetics
Classification: Uncertain significance for Inborn genetic diseases. Last evaluated: 2025-06-07. Review status: criteria provided, single submitter. Criteria: Ambry Variant Classification Scheme 2023. Collection method: clinical testing. Allele origin: germline.

Labcorp Genetics (formerly Invitae), Labcorp
Classification: Uncertain significance for Familial temporal lobe epilepsy 7; Norman-Roberts syndrome. Last evaluated: 2023-07-21. Review status: criteria provided, single submitter. Criteria: Invitae Variant Classification Sherloc (09022015). Collection method: clinical testing. Allele origin: germline.
Comment: This sequence change replaces asparagine, which is neutral and polar, with serine, which is neutral and polar, at codon 389 of the RELN protein (p.Asn389Ser). This variant is not present in population databases (gnomAD no frequency). This variant has not been reported in the literature in individuals affected with RELN-related conditions. ClinVar contains an entry for this variant (Variation ID: 1520626). Advanced modeling of protein sequence and biophysical properties (such as structural, functional, and spatial information, amino acid conservation, physicochemical variation, residue mobility, and thermodynamic stability) performed at Invitae indicates that this missense variant is not expected to disrupt RELN protein function. In summary, the available evidence is currently insufficient to determine the role of this variant in disease. Therefore, it has been classified as a Variant of Uncertain Significance.